The following is an entry in ClinVar:

ClinVar aggregate classification (germline): Likely benign. Review status: criteria provided, multiple submitters, no conflicts (2 of 4 stars). 2 submissions from 2 submitters: Likely benign (2). Last evaluated 2026-05-01.

gnomAD v4.1: 7,224 of 1,232,578 alleles (0.59%); highest among the groups gnomAD compares: Non-Finnish European, 0.67%; 28 homozygotes.

Submissions (2):

CeGaT Center for Human Genetics Tuebingen
Classification: Likely benign. Last evaluated: 2026-05-01. Review status: criteria provided, single submitter. Criteria: CeGaT Center For Human Genetics Tuebingen Variant Classification Criteria Version 2. Collection method: clinical testing. Allele origin: germline. Affected: yes. Observed: 9 variant alleles.
Comment: FBRSL1: BS2

Laboratory of Genetics, Children's Clinical University Hospital Latvia
Classification: Likely benign. Last evaluated: 2025-02-16. Review status: criteria provided, single submitter. Criteria: ACMG Guidelines, 2015. Collection method: clinical testing. Allele origin: germline. Affected: yes.

NM_001382741.1(FBRSL1):c.910C>T (p.Arg304Cys)

Gene: FBRSL1 (fibrosin like 1; plus strand). Cytogenetic location: 12q24.33.
Variant type: single nucleotide variant.
Coding change: c.910C>T on transcript NM_001382741.1 (MANE Plus Clinical); coding-DNA position 910, C replaced by T.
Protein change: p.Arg304Cys; replaces arginine 304 with cysteine.
Molecular consequence: missense variant. On other transcripts: non-coding transcript variant (1), intron variant (5).
Genome position (GRCh38, 1-based): chr12:132,509,586, C>T. VCF-style: chr12-132509586-C-T. GRCh37 (hg19) VCF-style: chr12-133086172-C-T.
Other names: c.613C>T, p.Arg205Cys (NM_001382742.1); c.489+1236C>T (NM_001367871.1, NM_001382739.1, NM_001142641.2 and 2 more transcripts); short protein forms R205C, R304C.
Identifiers: ClinVar variation 3777765 (VCV003777765.8).